The following is an entry in ClinVar:

NM_000152.5(GAA):c.-37A>G

Gene: GAA (alpha glucosidase; plus strand). Cytogenetic location: 17q25.3.
Variant type: single nucleotide variant.
Coding change: c.-37A>G on transcript NM_000152.5 (MANE Select); 37 bases upstream of the start codon, A replaced by G.
Molecular consequence: 5 prime UTR variant. On other transcripts: non-coding transcript variant (1), intron variant (1).
Genome position (GRCh38, 1-based): chr17:80,101,886, A>G. VCF-style: chr17-80101886-A-G. GRCh37 (hg19) VCF-style: chr17-78075685-A-G.
Other names: c.-37A>G (LRG_673t1, NM_001079803.3); c.-33+261A>G (NM_001079804.3).
Identifiers: ClinVar variation 389474 (VCV000389474.1), dbSNP rs907981020, ClinGen allele CA16607894.

ClinVar aggregate classification (germline): Likely benign (1 of 4 stars; one submission).

Allele frequency attached by ClinVar (database versions not stated): gnomAD 0.00001; TOPMed 0.00002.

Submission:

GeneDx
Classification: Likely benign. Last evaluated: 2016-10-07. Review status: criteria provided, single submitter. Criteria: GeneDx Variant Classification (06012015). Collection method: clinical testing. Allele origin: germline. Affected: yes.
Comment: This variant is considered likely benign or benign based on one or more of the following criteria: it is a conservative change, it occurs at a poorly conserved position in the protein, it is predicted to be benign by multiple in silico algorithms, and/or has population frequency not consistent with disease.